The following is an entry in ClinVar:

ClinVar aggregate classification (germline): Likely pathogenic (1 of 4 stars; one submission).

Conditions:
Autosomal recessive nonsyndromic hearing loss 18A. Also called: Deafness, autosomal recessive 18A; DEAFNESS, AUTOSOMAL RECESSIVE 18. Identifiers: Orphanet 90636, MedGen C1865870, MONDO:0011192, OMIM 602092.
Usher syndrome type 1C. Also called: USHER SYNDROME, TYPE I, ACADIAN VARIETY. Identifiers: Orphanet 231169, Orphanet 886, MedGen C1848604, MONDO:0010171, OMIM 276904.

Submission:

Juno Genomics, Hangzhou Juno Genomics, Inc
Classification: Likely pathogenic for Usher syndrome type 1C; Autosomal recessive nonsyndromic hearing loss 18A. Review status: criteria provided, single submitter. Criteria: ACMG Guidelines, 2015. Collection method: clinical testing. Allele origin: germline.
Comment: Null variant in a gene where loss of function (LOF) is a known mechanism of disease.;Absent from controls (or at extremely low frequency if recessive) in Genome Aggregation Database.

NM_153676.4(USH1C):c.1467G>A (p.Trp489Ter)

Gene: USH1C (USH1 protein network component harmonin; minus strand). Cytogenetic location: 11p15.1.
Variant type: single nucleotide variant.
Coding change: c.1467G>A on transcript NM_153676.4 (MANE Select); coding-DNA position 1467, G replaced by A.
Protein change: p.Trp489Ter; replaces tryptophan 489 with a stop codon.
Molecular consequence: nonsense. On other transcripts: intron variant (11).
Genome position (GRCh38, 1-based): chr11:17,510,468, C>T on the plus strand (G>A on the coding strand, the complement: USH1C is on the minus strand). VCF-style: chr11-17510468-C-T. GRCh37 (hg19) VCF-style: chr11-17532015-C-T.
Other names: c.1227+6933G>A (NM_001297764.2); c.1210+10402G>A (NM_001440687.1); c.1413+1434G>A (NM_001440681.1); c.1284+6933G>A (NM_001440685.1, NM_005709.4, NM_001440682.1); c.1285-5771G>A (NM_001440683.1); c.1437+1434G>A (NM_001440680.1); c.1260+6933G>A (NM_001440686.1); c.1317+6933G>A (NM_001440684.1); and 1 more; short protein forms W489*.
Identifiers: ClinVar variation 5007834 (VCV005007834.2).
Genomic context (GRCh38, chr11:17,510,468, plus strand): 5'-TGAAATCTCATTATCAGCAGAGGAAATCTGCTCGAGGCGCGTTTGACAGAGCCTCTCCAC[C>T]CAATATTGAATCTTTTCCGATTCTTCAAGGTCTTCCCGCTCTGTCTCAGACACCTGGGAC-3'